The following is an entry in ClinVar:

ClinVar aggregate classification (germline): Uncertain significance. Review status: criteria provided, multiple submitters, no conflicts (2 of 4 stars). 4 submissions from 4 submitters: Uncertain significance (3). 1 of the submissions does not count toward it. Last evaluated 2026-01-18.

Conditions:
A2ML1-related disorder. Also called: A2ML1-related condition.

Allele frequency attached by ClinVar (database versions not stated): gnomAD exomes 0.00001 and 0.00004; TOPMed 0.00002; gnomAD 0.00003 and 0.00004; ExAC 0.00004; 1000 Genomes Project 0.00020; 1000 Genomes Project 30x 0.00031.
gnomAD v4.1: 21 of 1,609,456 alleles (0.0013%); highest among the groups gnomAD compares: East Asian, 0.04%; no homozygotes.

Submissions (4):

Labcorp Genetics (formerly Invitae), Labcorp
Classification: Uncertain significance. Last evaluated: 2026-01-18. Review status: criteria provided, single submitter. Criteria: Invitae Variant Classification Sherloc (09022015). Collection method: clinical testing. Allele origin: germline.
Comment: This sequence change replaces glutamine, which is neutral and polar, with proline, which is neutral and non-polar, at codon 890 of the A2ML1 protein (p.Gln890Pro). This variant is present in population databases (rs768785455, gnomAD 0.05%). This variant has not been reported in the literature in individuals affected with A2ML1-related conditions. ClinVar contains an entry for this variant (Variation ID: 1027042). An algorithm developed to predict the effect of missense changes on protein structure and function (PolyPhen-2) suggests that this variant is likely to be tolerated. In summary, the available evidence is currently insufficient to determine the role of this variant in disease. Therefore, it has been classified as a Variant of Uncertain Significance.

Ambry Genetics
Classification: Uncertain significance. Last evaluated: 2025-02-01. Review status: criteria provided, single submitter. Criteria: Ambry Variant Classification Scheme 2023. Collection method: clinical testing. Allele origin: germline.
Comment: The p.Q890P variant (also known as c.2669A>C), located in coding exon 21 of the A2ML1 gene, results from an A to C substitution at nucleotide position 2669. The glutamine at codon 890 is replaced by proline, an amino acid with similar properties. This amino acid position is conserved. In addition, this alteration is predicted to be tolerated by in silico analysis. Based on the available evidence, the clinical significance of this variant remains unclear.

Breakthrough Genomics
Classification: Uncertain significance. Review status: criteria provided, single submitter. Criteria: ACMG Guidelines, 2015. Collection method: not provided. Allele origin: germline. Inheritance: Autosomal dominant inheritance. Affected: yes.

PreventionGenetics, part of Exact Sciences
Classification: Likely benign for A2ML1-related condition. Last evaluated: 2023-09-05. Review status: no assertion criteria provided. Collection method: clinical testing. Allele origin: germline. Not counted in ClinVar's aggregate classification.
Comment: This variant is classified as likely benign based on ACMG/AMP sequence variant interpretation guidelines (Richards et al. 2015 PMID: 25741868, with internal and published modifications).

NM_144670.6(A2ML1):c.2669A>C (p.Gln890Pro)

Gene: A2ML1 (alpha-2-macroglobulin like 1; plus strand). Cytogenetic location: 12p13.31.
Variant type: single nucleotide variant.
Coding change: c.2669A>C on transcript NM_144670.6 (MANE Select); coding-DNA position 2669, A replaced by C.
Protein change: p.Gln890Pro; replaces glutamine 890 with proline.
Molecular consequence: missense variant.
Genome position (GRCh38, 1-based): chr12:8,854,206, A>C. VCF-style: chr12-8854206-A-C. GRCh37 (hg19) VCF-style: chr12-9006802-A-C.
Other names: c.1196A>C, p.Gln399Pro (NM_001282424.3); c.2669A>C (NM_144670.3, NM_144670.5); short protein forms Q399P, Q890P.
Identifiers: ClinVar variation 1027042 (VCV001027042.13), dbSNP rs768785455, ClinGen allele CA6436086.
Genomic context (GRCh38, chr12:8,854,206, plus strand): 5'-TTAGTACAAAGATTCTGGACAGCAATGAACCATGTGGGGGCCAGAAGGGGTTTGTTCCCC[A>C]AAAGGGCCGAAGTGACACGCTCATCAAGCCAGTTCTCGTCAAAGTGAGTTTTCTTCAGAG-3'
Protein context (NP_653271.3, residues 880-900): PCGGQKGFVP[Gln890Pro]KGRSDTLIKP